The following is an entry in ClinVar:

ClinVar aggregate classification (germline): Uncertain significance. Review status: criteria provided, multiple submitters, no conflicts (2 of 4 stars). 3 submissions from 3 submitters: Uncertain significance (3). Last evaluated 2025-09-23.

Conditions:
Emery-Dreifuss muscular dystrophy 5, autosomal dominant (EDMD5). Also called: EMERY-DREIFUSS MUSCULAR DYSTROPHY 5. Identifiers: Orphanet 261, MedGen C2751805, MONDO:0013072, OMIM 612999.

Allele frequency attached by ClinVar (database versions not stated): gnomAD exomes below 0.00001 and 0.00002; ExAC 0.00002; gnomAD 0.00004 and 0.00005; TOPMed 0.00005; ESP Exome Variant Server 0.00008.
gnomAD v4.1: 11 of 1,614,004 alleles (0.00068%); highest among the groups gnomAD compares: African/African-American, 0.015%; no homozygotes.

Submissions (3):

Labcorp Genetics (formerly Invitae), Labcorp
Classification: Uncertain significance for Emery-Dreifuss muscular dystrophy 5, autosomal dominant. Last evaluated: 2025-09-23. Review status: criteria provided, single submitter. Criteria: Invitae Variant Classification Sherloc (09022015). Collection method: clinical testing. Allele origin: germline.
Comment: This sequence change replaces alanine, which is neutral and non-polar, with threonine, which is neutral and polar, at codon 2488 of the SYNE2 protein (p.Ala2488Thr). This variant is present in population databases (rs368547895, gnomAD 0.04%), and has an allele count higher than expected for a pathogenic variant. This variant has not been reported in the literature in individuals affected with SYNE2-related conditions. ClinVar contains an entry for this variant (Variation ID: 283225). An algorithm developed to predict the effect of missense changes on protein structure and function outputs the following: PolyPhen-2: "Benign". The threonine amino acid residue is found in multiple mammalian species, which suggests that this missense change does not adversely affect protein function. In summary, the available evidence is currently insufficient to determine the role of this variant in disease. Therefore, it has been classified as a Variant of Uncertain Significance.

Athena Diagnostics
Classification: Uncertain significance. Last evaluated: 2025-08-25. Review status: criteria provided, single submitter. Criteria: Athena Diagnostics Criteria. Collection method: clinical testing. Allele origin: unknown.
Comment: Available data are insufficient to determine the clinical significance of the variant at this time. The frequency of this variant in the general population is uninformative in assessment of its pathogenicity. Polyphen and MutationTaster predict this amino acid change may be benign.

Eurofins Ntd Llc (ga)
Classification: Uncertain significance. Last evaluated: 2015-09-04. Review status: criteria provided, single submitter. Criteria: EGL Classification Definitions 2015. Collection method: clinical testing. Allele origin: germline. Observed: 1 variant allele, 1 heterozygote.

NM_182914.3(SYNE2):c.7462G>A (p.Ala2488Thr)

Gene: SYNE2 (spectrin repeat containing nuclear envelope protein 2; plus strand). Cytogenetic location: 14q23.2.
Variant type: single nucleotide variant.
Coding change: c.7462G>A on transcript NM_182914.3 (MANE Select); coding-DNA position 7462, G replaced by A.
Protein change: p.Ala2488Thr; replaces alanine 2488 with threonine.
Molecular consequence: missense variant.
Genome position (GRCh38, 1-based): chr14:64,049,695, G>A. VCF-style: chr14-64049695-G-A. GRCh37 (hg19) VCF-style: chr14-64516413-G-A.
Other names: c.7462G>A, p.Ala2488Thr (NM_015180.6); c.7462G>A (NM_182914.2); short protein forms A2488T.
Identifiers: ClinVar variation 283225 (VCV000283225.7), dbSNP rs368547895, ClinGen allele CA7220939.